The following is an entry in ClinVar:

ClinVar aggregate classification (germline): Uncertain significance (1 of 4 stars; one submission).

Conditions:
Hereditary nonpolyposis colorectal neoplasms. Identifiers: MedGen C0009405, MeSH D003123.

Submission:

Labcorp Genetics (formerly Invitae), Labcorp
Classification: Uncertain significance for Hereditary nonpolyposis colorectal neoplasms. Last evaluated: 2020-08-06. Review status: criteria provided, single submitter. Criteria: Invitae Variant Classification Sherloc (09022015). Collection method: clinical testing. Allele origin: germline.
Comment: In summary, the available evidence is currently insufficient to determine the role of this variant in disease. Therefore, it has been classified as a Variant of Uncertain Significance. Algorithms developed to predict the effect of missense changes on protein structure and function (SIFT, PolyPhen-2, Align-GVGD) all suggest that this variant is likely to be disruptive, but these predictions have not been confirmed by published functional studies and their clinical significance is uncertain. This variant has not been reported in the literature in individuals with PMS2-related conditions. This variant is not present in population databases (ExAC no frequency). This sequence change replaces asparagine with tyrosine at codon 293 of the PMS2 protein (p.Asn293Tyr). The asparagine residue is highly conserved and there is a large physicochemical difference between asparagine and tyrosine.

NM_000535.7(PMS2):c.877A>T (p.Asn293Tyr)

Gene: PMS2 (PMS1 homolog 2, mismatch repair system component; minus strand). Cytogenetic location: 7p22.1.
Variant type: single nucleotide variant.
Coding change: c.877A>T on transcript NM_000535.7 (MANE Select); coding-DNA position 877, A replaced by T.
Protein change: p.Asn293Tyr; replaces asparagine 293 with tyrosine.
Molecular consequence: missense variant. On other transcripts: 5 prime UTR variant (2), non-coding transcript variant (1).
Genome position (GRCh38, 1-based): chr7:5,995,560, T>A on the plus strand (A>T on the coding strand, the complement: PMS2 is on the minus strand). VCF-style: chr7-5995560-T-A. GRCh37 (hg19) VCF-style: chr7-6035191-T-A.
Other names: c.472A>T, p.Asn158Tyr (NM_001322003.2, NM_001322004.2, NM_001322005.2 and 2 more transcripts); c.877A>T, p.Asn293Tyr (NM_001322006.2, NM_001322014.2); c.559A>T, p.Asn187Tyr (NM_001322007.2, NM_001322008.2); c.-57A>T (NM_001322011.2, NM_001322012.2); c.304A>T, p.Asn102Tyr (NM_001322013.2); c.568A>T, p.Asn190Tyr (NM_001322015.2); short protein forms N102Y, N158Y, N187Y, N190Y, N293Y.
Identifiers: ClinVar variation 1063839 (VCV001063839.9), dbSNP rs530993704, ClinGen allele CA366743441.
Genomic context (GRCh38, chr7:5,995,560, plus strand): 5'-AAAGAACAAACTAACACAAAAAAATTTTAAATACCTTTGCTGGGTCACAAGGCCGCCGGT[T>A]GATAAAGAAAAACTGTCTGTCTGTTGAACTCCTTCCAACTCCATGCGTGCATTGTGAAAT-3'
Protein context (NP_000526.2, residues 283-303): SSTDRQFFFI[Asn293Tyr]RRPCDPAKVC